The following is an entry in ClinVar:

ClinVar aggregate classification (germline): Uncertain significance. Review status: criteria provided, multiple submitters, no conflicts (2 of 4 stars). 2 submissions from 2 submitters: Uncertain significance (2). Last evaluated 2025-03-07.

Submissions (2):

GeneDx
Classification: Uncertain significance. Last evaluated: 2025-03-07. Review status: criteria provided, single submitter. Criteria: GeneDx Variant Classification Process June 2021. Collection method: clinical testing. Allele origin: germline. Affected: yes.
Comment: Not observed at significant frequency in large population cohorts (gnomAD); In silico analysis supports a deleterious effect on splicing; Has not been previously published as pathogenic or benign to our knowledge

Labcorp Genetics (formerly Invitae), Labcorp
Classification: Uncertain significance. Last evaluated: 2025-01-29. Review status: criteria provided, single submitter. Criteria: Invitae Variant Classification Sherloc (09022015). Collection method: clinical testing. Allele origin: germline.
Comment: This sequence change falls in intron 33 of the COL11A1 gene. It does not directly change the encoded amino acid sequence of the COL11A1 protein. It affects a nucleotide within the consensus splice site. This variant is not present in population databases (gnomAD no frequency). This variant has been observed in individual(s) with clinical features of COL11A1-related conditions (internal data). Variants that disrupt the consensus splice site are a relatively common cause of aberrant splicing (PMID: 17576681, 9536098). Algorithms developed to predict the effect of sequence changes on RNA splicing suggest that this variant may disrupt the consensus splice site. In summary, the available evidence is currently insufficient to determine the role of this variant in disease. Therefore, it has been classified as a Variant of Uncertain Significance.

Literature cited by the submitters: PubMed 17576681 (cited by Labcorp Genetics (formerly Invitae), Labcorp); PubMed 9536098 (cited by Labcorp Genetics (formerly Invitae), Labcorp).

NM_001854.4(COL11A1):c.2656-3C>G

Gene: COL11A1 (collagen type XI alpha 1 chain; minus strand). Cytogenetic location: 1p21.1.
Variant type: single nucleotide variant.
Coding change: c.2656-3C>G on transcript NM_001854.4 (MANE Select); 3 bases into the intron before coding-DNA position 2656, C replaced by G.
Molecular consequence: intron variant.
Genome position (GRCh38, 1-based): chr1:102,978,916, G>C on the plus strand (C>G on the coding strand, the complement: COL11A1 is on the minus strand). VCF-style: chr1-102978916-G-C. GRCh37 (hg19) VCF-style: chr1-103444472-G-C.
Other names: c.2539-3C>G (NM_001190709.2); c.2692-3C>G (NM_080629.3); c.2308-3C>G (NM_080630.4).
Identifiers: ClinVar variation 3729029 (VCV003729029.3).
Genomic context (GRCh38, chr1:102,978,916, plus strand): 5'-ATACCTTTGGCCCAGGTTTCCCAGTGGGACCTCTTGCACCTCTTGAACCTCGAGGACCCT[G>C]CAGATGAGAACAAAAGATGAACCCAAACTAATGCCAGACAAATCCAAAGACACTAAATCA-3'